The following is an entry in ClinVar:

NM_002430.3(MN1):c.3048G>C (p.Leu1016Phe)

Gene: MN1 (MN1 proto-oncogene, transcriptional regulator; minus strand). Cytogenetic location: 22q12.1.
Variant type: single nucleotide variant.
Coding change: c.3048G>C on transcript NM_002430.3 (MANE Select); coding-DNA position 3048, G replaced by C.
Protein change: p.Leu1016Phe; replaces leucine 1016 with phenylalanine.
Molecular consequence: missense variant.
Genome position (GRCh38, 1-based): chr22:27,797,496, C>G on the plus strand (G>C on the coding strand, the complement: MN1 is on the minus strand). VCF-style: chr22-27797496-C-G. GRCh37 (hg19) VCF-style: chr22-28193484-C-G.
Other names: short protein forms L1016F.
Identifiers: ClinVar variation 3063882 (VCV003063882.1), dbSNP rs2517770573, ClinGen allele CA411043644.
Genomic context (GRCh38, chr22:27,797,496, plus strand): 5'-ACTGTCCGACTTGGCCCCGCCGTCCAGGGACCCAATGAGGTCCGGCTGATCCCCCAGGAG[C>G]AACTCAGCCCCCTTCCCCCAGGATGGCGACGTGAGCGCCTTTTCGTGGGGCGTCGGTGCC-3'
Protein context (NP_002421.3, residues 1006-1026): TSPSWGKGAE[Leu1016Phe]LLGDQPDLIG

ClinVar aggregate classification (germline): Uncertain significance (1 of 4 stars; one submission).

Allele frequency attached by ClinVar (database versions not stated): gnomAD exomes below 0.00001.
gnomAD v4.1: 2 of 1,601,110 alleles (0.00012%); highest among the groups gnomAD compares: Non-Finnish European, 0.00017%; no homozygotes.

Submission:

Women's Health and Genetics/Laboratory Corporation of America, LabCorp
Classification: Uncertain significance. Last evaluated: 2024-01-12. Review status: criteria provided, single submitter. Criteria: LabCorp Variant Classification Summary - May 2015. Collection method: clinical testing. Allele origin: germline.
Comment: Variant summary: MN1 c.3048G>C (p.Leu1016Phe) results in a non-conservative amino acid change in the encoded protein sequence. Three of five in-silico tools predict a damaging effect of the variant on protein function. The variant allele was found at a frequency of 3.3e-06 in 611,570 control chromosomes (i.e. 2 heterozygotes) in the gnomAD database (v4 dataset). The available data on variant occurrences in the general population are insufficient to allow any conclusion about variant significance. To our knowledge, no occurrence of c.3048G>C in individuals affected with CEBALID Syndrome and no experimental evidence demonstrating its impact on protein function have been reported. No submitters have cited clinical-significance assessments for this variant to ClinVar. Based on the evidence outlined above, the variant was classified as uncertain significance.